The following is an entry in ClinVar:

NM_018127.7(ELAC2):c.1698+1G>A

Gene: ELAC2 (elaC ribonuclease Z 2; minus strand). Cytogenetic location: 17p12.
Variant type: single nucleotide variant.
Coding change: c.1698+1G>A on transcript NM_018127.7 (MANE Select); the canonical splice donor site of the intron after coding-DNA position 1698, G replaced by A.
Molecular consequence: splice donor variant.
Genome position (GRCh38, 1-based): chr17:12,995,939, C>T on the plus strand (G>A on the coding strand, the complement: ELAC2 is on the minus strand). VCF-style: chr17-12995939-C-T. GRCh37 (hg19) VCF-style: chr17-12899256-C-T.
Other names: c.1578+1G>A (NM_001165962.2); c.1695+1G>A (NM_173717.2).
Identifiers: ClinVar variation 3669200 (VCV003669200.2).

ClinVar aggregate classification (germline): Likely pathogenic (1 of 4 stars; one submission).

Conditions:
Combined oxidative phosphorylation defect type 17. Also called: Combined oxidative phosphorylation deficiency 17. Identifiers: Orphanet 369913, MedGen C3809526, MONDO:0014190, OMIM 615440.

Submission:

Labcorp Genetics (formerly Invitae), Labcorp
Classification: Likely pathogenic for Combined oxidative phosphorylation defect type 17. Last evaluated: 2024-04-17. Review status: criteria provided, single submitter. Criteria: Invitae Variant Classification Sherloc (09022015). Collection method: clinical testing. Allele origin: germline.
Comment: This sequence change affects a donor splice site in intron 18 of the ELAC2 gene. It is expected to disrupt RNA splicing. Variants that disrupt the donor or acceptor splice site typically lead to a loss of protein function (PMID: 16199547), and loss-of-function variants in ELAC2 are known to be pathogenic (PMID: 27769300, 31045291). This variant is not present in population databases (gnomAD no frequency). This variant has not been reported in the literature in individuals affected with ELAC2-related conditions. Algorithms developed to predict the effect of sequence changes on RNA splicing suggest that this variant may disrupt the consensus splice site. In summary, the currently available evidence indicates that the variant is pathogenic, but additional data are needed to prove that conclusively. Therefore, this variant has been classified as Likely Pathogenic.

Literature cited by the submitters: PubMed 16199547; PubMed 27769300; PubMed 31045291.